The following is an entry in ClinVar:

NM_001429.4(EP300):c.5594C>T (p.Thr1865Ile)

Gene: EP300 (EP300 lysine acetyltransferase; plus strand). Cytogenetic location: 22q13.2.
Variant type: single nucleotide variant.
Coding change: c.5594C>T on transcript NM_001429.4 (MANE Select); coding-DNA position 5594, C replaced by T.
Protein change: p.Thr1865Ile; replaces threonine 1865 with isoleucine.
Molecular consequence: missense variant.
Genome position (GRCh38, 1-based): chr22:41,177,305, C>T. VCF-style: chr22-41177305-C-T. GRCh37 (hg19) VCF-style: chr22-41573309-C-T.
Other names: c.5516C>T, p.Thr1839Ile (NM_001362843.2); short protein forms T1839I, T1865I.
Identifiers: ClinVar variation 4249458 (VCV004249458.2).

ClinVar aggregate classification (germline): Uncertain significance. Review status: criteria provided, multiple submitters, no conflicts (2 of 4 stars). 2 submissions from 2 submitters: Uncertain significance (2). Last evaluated 2025-11-12.

Conditions:
EP300-related disorder. Also called: EP300-related disorders; EP300-related condition.
Inborn genetic diseases. Identifiers: MedGen C0950123, MeSH D030342.

gnomAD v4.1: 2 of 1,614,114 alleles (0.00012%); highest among the groups gnomAD compares: South Asian, 0.0022%; no homozygotes.

Submissions (2):

PreventionGenetics, part of Exact Sciences
Classification: Uncertain significance for EP300-related condition. Last evaluated: 2025-11-12. Review status: criteria provided, single submitter. Criteria: ACMG Guidelines, 2015. Collection method: clinical testing. Allele origin: germline.
Comment: The EP300 c.5594C>T variant is predicted to result in the amino acid substitution p.Thr1865Ile. To our knowledge, this variant has not been reported in the literature or in a large population database (gnomAD), indicating this variant is rare. At this time, the clinical significance of this variant is uncertain due to the absence of conclusive functional and genetic evidence.

Ambry Genetics
Classification: Uncertain significance for Inborn genetic diseases. Last evaluated: 2025-08-21. Review status: criteria provided, single submitter. Criteria: Ambry Variant Classification Scheme 2023. Collection method: clinical testing. Allele origin: germline.